The following is an entry in ClinVar:

NM_021224.6(ZNF462):c.845G>A (p.Gly282Glu)

Gene: ZNF462 (zinc finger protein 462; plus strand). Cytogenetic location: 9q31.2.
Variant type: single nucleotide variant.
Coding change: c.845G>A on transcript NM_021224.6 (MANE Select); coding-DNA position 845, G replaced by A.
Protein change: p.Gly282Glu; replaces glycine 282 with glutamic acid.
Molecular consequence: missense variant.
Genome position (GRCh38, 1-based): chr9:106,924,757, G>A. VCF-style: chr9-106924757-G-A. GRCh37 (hg19) VCF-style: chr9-109687038-G-A.
Other names: c.845G>A, p.Gly282Glu (NM_001347997.2); short protein forms G282E.
Identifiers: ClinVar variation 1954317 (VCV001954317.5), dbSNP rs2538722843, ClinGen allele CA374383284.
Genomic context (GRCh38, chr9:106,924,757, plus strand): 5'-TGATGAAGAAACACCGCAGTATGGTCAAGATCCTTTCCAGTCTCAGACAGCAACAAGAAG[G>A]AACTAATCTACCTGATGTGCCGAACAAGAGTGCCCCCAGCCCCACTTCCAACTCCACCTA-3'
Protein context (NP_067047.4, residues 272-292): ILSSLRQQQE[Gly282Glu]TNLPDVPNKS

ClinVar aggregate classification (germline): Uncertain significance (1 of 4 stars; one submission).

Allele frequency attached by ClinVar (database versions not stated): gnomAD exomes 0.00001.
gnomAD v4.1: 7 of 1,613,994 alleles (0.00043%); highest among the groups gnomAD compares: Non-Finnish European, 0.00051%; no homozygotes.

Submission:

Labcorp Genetics (formerly Invitae), Labcorp
Classification: Uncertain significance. Last evaluated: 2022-04-14. Review status: criteria provided, single submitter. Criteria: Invitae Variant Classification Sherloc (09022015). Collection method: clinical testing. Allele origin: germline.
Comment: In summary, the available evidence is currently insufficient to determine the role of this variant in disease. Therefore, it has been classified as a Variant of Uncertain Significance. Algorithms developed to predict the effect of missense changes on protein structure and function (SIFT, PolyPhen-2, Align-GVGD) all suggest that this variant is likely to be disruptive. This variant has not been reported in the literature in individuals affected with ZNF462-related conditions. This variant is not present in population databases (gnomAD no frequency). This sequence change replaces glycine, which is neutral and non-polar, with glutamic acid, which is acidic and polar, at codon 282 of the ZNF462 protein (p.Gly282Glu).